The following is an entry in ClinVar:

NM_014946.4(SPAST):c.29A>G (p.Lys10Arg)

Gene: SPAST (spastin; plus strand). Cytogenetic location: 2p22.3.
Variant type: single nucleotide variant.
Coding change: c.29A>G on transcript NM_014946.4 (MANE Select); coding-DNA position 29, A replaced by G.
Protein change: p.Lys10Arg; replaces lysine 10 with arginine.
Molecular consequence: missense variant.
Genome position (GRCh38, 1-based): chr2:32,063,860, A>G. VCF-style: chr2-32063860-A-G. GRCh37 (hg19) VCF-style: chr2-32288929-A-G.
Other names: c.29A>G, p.Lys10Arg (NM_001363823.2, NM_001363875.2, NM_001377959.1 and 1 more transcripts); short protein forms K10R.
Identifiers: ClinVar variation 1303472 (VCV001303472.2), dbSNP rs2148685090, ClinGen allele CA346601224.

ClinVar aggregate classification (germline): Uncertain significance (1 of 4 stars; one submission).

gnomAD v4.1: 3 of 1,585,172 alleles (0.00019%); highest among the groups gnomAD compares: Non-Finnish European, 0.00026%; no homozygotes.

Submission:

GeneDx
Classification: Uncertain significance. Last evaluated: 2019-12-12. Review status: criteria provided, single submitter. Criteria: GeneDx Variant Classification Process June 2021. Collection method: clinical testing. Allele origin: germline. Affected: yes.
Comment: Not observed in large population cohorts (Lek et al., 2016); In silico analysis, which includes protein predictors and evolutionary conservation, supports that this variant does not alter protein structure/function; This variant is associated with the following publications: (PMID: 27334366)